The following is an entry in ClinVar:

ClinVar aggregate classification (germline): Likely benign. Review status: criteria provided, single submitter (1 of 4 stars). 2 submissions from 2 submitters: Likely benign (1). 1 of the submissions does not count toward it. Last evaluated 2024-07-15.

Conditions:
SCAPER-related disorder. Also called: SCAPER-related condition.

gnomAD v4.1: 153 of 1,610,658 alleles (0.0095%); highest among the groups gnomAD compares: African/African-American, 0.2%; no homozygotes.

Submissions (2):

Blueprint Genetics
Classification: Likely benign. Last evaluated: 2024-07-15. Review status: criteria provided, single submitter. Criteria: ACMG Guidelines, 2015. Collection method: clinical testing. Allele origin: germline.

PreventionGenetics, part of Exact Sciences
Classification: Likely benign for SCAPER-related condition. Last evaluated: 2024-08-22. Review status: no assertion criteria provided. Collection method: clinical testing. Allele origin: germline. Not counted in ClinVar's aggregate classification.
Comment: This variant is classified as likely benign based on ACMG/AMP sequence variant interpretation guidelines (Richards et al. 2015 PMID: 25741868, with internal and published modifications).

NM_020843.4(SCAPER):c.2346C>A (p.Ala782=)

Gene: SCAPER (S-phase cyclin A associated protein in the ER; minus strand). Cytogenetic location: 15q24.3.
Variant type: single nucleotide variant.
Coding change: c.2346C>A on transcript NM_020843.4 (MANE Select); coding-DNA position 2346, C replaced by A.
Protein change: p.Ala782=; no amino-acid change (alanine 782 retained).
Molecular consequence: synonymous variant. On other transcripts: non-coding transcript variant (1).
Genome position (GRCh38, 1-based): chr15:76,702,904, G>T on the plus strand (C>A on the coding strand, the complement: SCAPER is on the minus strand). VCF-style: chr15-76702904-G-T. GRCh37 (hg19) VCF-style: chr15-76995245-G-T.
Other names: c.1608C>A, p.Ala536= (NM_001145923.2); c.2364C>A, p.Ala788= (NM_001353009.2); c.1944C>A, p.Ala648= (NM_001353010.2, NM_001353012.2); c.1962C>A, p.Ala654= (NM_001353011.2).
Identifiers: ClinVar variation 3351902 (VCV003351902.2).